The following continues an entry in ClinVar:

NM_000218.3(KCNQ1):c.1663C>T (p.Arg555Cys)

Gene: KCNQ1. ClinVar aggregate classification (germline): Pathogenic. Pathogenic (13).

Submissions 8 to 15 of 15:

GeneDx
Classification: Pathogenic. Last evaluated: 2023-12-12. Review status: criteria provided, single submitter. Criteria: GeneDx Variant Classification Process June 2021. Collection method: clinical testing. Allele origin: germline. Affected: yes.
Comment: Reported in association with LQTS in multiple individuals referred for genetic testing at GeneDx and in the published literature (PMID: 9386136, 12877697, 15840476, 19716085, 26669661); Segregates with disease in many affected individuals from several families in the published literature, and observed to result in a milder phenotype with less pronounced QT prolongation and a lower percentage of syncopal episodes and sudden deaths (PMID: 9386136); Observed in the homozygous state in one individual with LQTS and hearing loss (PMID: 28438721); Published functional studies demonstrate decreased binding affinity for its co-factor, PIP2, causing impaired potassium channel function (PMID: 9312006, 15746441, 19934648, 21576493, 22456477, 24681627, 25037568); Not observed at a significant frequency in large population cohorts (gnomAD); In silico analysis, which includes protein predictors and evolutionary conservation, supports a deleterious effect; Reported in ClinVar as a pathogenic variant (ClinVar Variant ID# 3126); This variant is associated with the following publications: (PMID: 14760488, 15746441, 9312006, 12522251, 19261104, 15140888, 12877697, 15234419, 15840476, 19934648, 25037568, 16540748, 14998624, 19862833, 21576493, 26669661, 24363352, 26907222, 27761162, 18174212, 22456477, 29037160, 10090886, 28449774, 32383558, 34505893, 9386136, 24681627, 19716085, 28438721)

Molecular Genetics Laboratory - Cardiogenetics, CHU de Nantes
Classification: Pathogenic for Long QT syndrome 1. Last evaluated: 2023-08-01. Review status: criteria provided, single submitter. Criteria: ACMG Guidelines, 2015. Collection method: clinical testing. Allele origin: germline. Affected: yes.

Clinical Genetics Laboratory, Skane University Hospital Lund
Classification: Pathogenic. Last evaluated: 2022-07-13. Review status: criteria provided, single submitter. Criteria: ACMG Guidelines, 2015. Collection method: clinical testing. Allele origin: germline. Affected: yes.

AiLife Diagnostics
Classification: Pathogenic. Last evaluated: 2022-03-25. Review status: criteria provided, single submitter. Criteria: ACMG Guidelines, 2015. Collection method: clinical testing. Allele origin: germline. Affected: yes. Observed: 1 variant allele.

Clinical Genetics Laboratory, Region Ostergotland
Classification: Pathogenic for Long QT syndrome 1. Last evaluated: 2021-07-13. Review status: criteria provided, single submitter. Criteria: ACMG Guidelines, 2015. Collection method: clinical testing. Allele origin: germline. Affected: yes.
Comment: PS3, PS4, PP1, PP3_moderate

Heterozygous

Agnes Ginges Centre for Molecular Cardiology, Centenary Institute
Classification: Pathogenic for Long QT syndrome 1. Last evaluated: 2017-01-31. Review status: criteria provided, single submitter. Criteria: ACMG Guidelines, 2015. Collection method: research. Allele origin: germline. Affected: yes.
Comment: The KCNQ1 Arg555Cys variant has been reported in multiple patients with Long QT syndrome (Kapplinger JD, et al., 2010; Tester DJ, et al., 2005; Paulussen AD, et al., 2005; Nemec J, et al., 2003; Donger C, et al., 1997) and has been shown to segregate with disease in 3 large families (Donger C, et al., 1997). The variant is present at low frequency in the Exome Aggregation Consortium dataset (MAF=0.000036). Computational tools SIFT, PolyPhen2 and MutationTaster predict this variant to be deleterious. Functional work performed on this variant has consistently shown that KCNQ1 Arg555Cys results in reduced affinity of PIP2 which is necessary for channel activity, inhibition of potassium channel activity would result in prolonged QT intervals (Barsheshet A, et al., 2012; Matavel A, et al., 2010; Park KH, et al., 2005). In summary, based on multiple reports of Long QT patients harbouring the variant, segregation data, functional studies in support of a damaging effect and rarity in the general population, we classify KCNQ1 Arg555Cys as "Pathogenic".

OMIM
Classification: Pathogenic for LONG QT SYNDROME 1. Last evaluated: 1997-11-04. Review status: no assertion criteria provided. Collection method: literature only. Allele origin: germline. Not counted in ClinVar's aggregate classification.

Cardiovascular Biomedical Research Unit, Royal Brompton & Harefield NHS Foundation Trust
No classification provided. Condition: Familial long QT syndrome. Review status: no classification provided. Collection method: literature only. Allele origin: germline. Not counted in ClinVar's aggregate classification.
Comment: This variant has been reported as associated with Long QT syndrome in the following publications (PMID:9386136;PMID:12877697;PMID:14760488;PMID:15840476;PMID:18174212;PMID:19716085;PMID:19934648;PMID:15746441;PMID:22456477). This is a literature report, and does not necessarily reflect the clinical interpretation of the Imperial College / Royal Brompton Cardiovascular Genetics laboratory.

Literature cited by the submitters: PubMed 9386136 (cited by 9 submitters); PubMed 14998624 (cited by Labcorp Genetics (formerly Invitae), Labcorp); PubMed 19716085 (cited by 4 submitters); PubMed 23631430 (cited by Labcorp Genetics (formerly Invitae), Labcorp and Color Diagnostics, LLC DBA Color Health); PubMed 15746441 (cited by 6 submitters); PubMed 19841300 (cited by Labcorp Genetics (formerly Invitae), Labcorp); PubMed 19934648 (cited by 6 submitters); PubMed 21576493 (cited by Labcorp Genetics (formerly Invitae), Labcorp and Color Diagnostics, LLC DBA Color Health); PubMed 22456477 (cited by 6 submitters); PubMed 24681627 (cited by 4 submitters); PubMed 25037568 (cited by 5 submitters); PubMed 25348405 (cited by Labcorp Genetics (formerly Invitae), Labcorp); PubMed 32383558 (cited by Variantyx, Inc. and AiLife Diagnostics); PubMed 9312006 (cited by 3 submitters); PubMed 15840476 (cited by 3 submitters); PubMed 26715165 (cited by Color Diagnostics, LLC DBA Color Health); PubMed 37568094 (cited by Color Diagnostics, LLC DBA Color Health); PubMed 17192539 (cited by Women's Health and Genetics/Laboratory Corporation of America, LabCorp); PubMed 19261104 (cited by Women's Health and Genetics/Laboratory Corporation of America, LabCorp); PubMed 28449774 (cited by AiLife Diagnostics); PubMed 18174212 (cited by 3 submitters); PubMed 14760488 (cited by Agnes Ginges Centre for Molecular Cardiology, Centenary Institute and Cardiovascular Biomedical Research Unit, Royal Brompton & Harefield NHS Foundation Trust); PubMed 12877697 (cited by Agnes Ginges Centre for Molecular Cardiology, Centenary Institute and Cardiovascular Biomedical Research Unit, Royal Brompton & Harefield NHS Foundation Trust); PubMed 26669661 (cited by Agnes Ginges Centre for Molecular Cardiology, Centenary Institute); PubMed 22581653 (cited by Cardiovascular Biomedical Research Unit, Royal Brompton & Harefield NHS Foundation Trust).